The following is an entry in ClinVar:

ClinVar aggregate classification (germline): Uncertain significance (1 of 4 stars; one submission).

Submission:

Dasa
Classification: Uncertain significance. Last evaluated: 2025-10-16. Review status: criteria provided, single submitter. Criteria: DASA Assertion Criteria. Collection method: clinical testing. Allele origin: germline.
Comment: NM_006939.4(SOS2):c.88-11135A>T is an intronic variant. This variant is absent from population databases. The currently available literature and clinical evidence are not sufficient to establish a definitive association between this variant and the reported condition. Therefore, this variant is classified as a variant of uncertain significance.

NM_006939.4(SOS2):c.88-11135A>T

Gene: SOS2 (SOS Ras/Rho guanine nucleotide exchange factor 2; minus strand). Cytogenetic location: 14q21.3.
Variant type: single nucleotide variant.
Coding change: c.88-11135A>T on transcript NM_006939.4 (MANE Select); 11135 bases into the intron before coding-DNA position 88, A replaced by T.
Molecular consequence: intron variant.
Genome position (GRCh38, 1-based): chr14:50,215,544, T>A on the plus strand (A>T on the coding strand, the complement: SOS2 is on the minus strand). VCF-style: chr14-50215544-T-A. GRCh37 (hg19) VCF-style: chr14-50682262-T-A.
Other names: c.88-11135A>T (NM_001411020.1).
Identifiers: ClinVar variation 4882990 (VCV004882990.2).
Genomic context (GRCh38, chr14:50,215,544, plus strand): 5'-ATATTTTTTGAAAGCCTAGTCAGAAAAAGAGCAATTAAAATAATTTCCAGTCTTTAACAG[T>A]AGATTAACAAGTCAGACCTGTATTTTAGTTACACCATATTTTCAAATTGCCAGAAGGCAT-3'